The following is an entry in ClinVar:

NM_001204.7(BMPR2):c.701T>C (p.Phe234Ser)

Gene: BMPR2 (bone morphogenetic protein receptor type 2; plus strand). Cytogenetic location: 2q33.2.
Variant type: single nucleotide variant.
Coding change: c.701T>C on transcript NM_001204.7 (MANE Select); coding-DNA position 701, T replaced by C.
Protein change: p.Phe234Ser; replaces phenylalanine 234 with serine.
Molecular consequence: missense variant.
Genome position (GRCh38, 1-based): chr2:202,518,901, T>C. VCF-style: chr2-202518901-T-C. GRCh37 (hg19) VCF-style: chr2-203383624-T-C.
Other names: short protein forms F234S.
Identifiers: ClinVar variation 3824879 (VCV003824879.1).

ClinVar aggregate classification (germline): Uncertain significance (1 of 4 stars; one submission).

Conditions:
Inborn genetic diseases. Identifiers: MedGen C0950123, MeSH D030342.

Submission:

Ambry Genetics
Classification: Uncertain significance for Inborn genetic diseases. Last evaluated: 2025-02-04. Review status: criteria provided, single submitter. Criteria: Ambry Variant Classification Scheme 2023. Collection method: clinical testing. Allele origin: germline.
Comment: The p.F234S variant (also known as c.701T>C), located in coding exon 6 of the BMPR2 gene, results from a T to C substitution at nucleotide position 701. The phenylalanine at codon 234 is replaced by serine, an amino acid with highly dissimilar properties. This amino acid position is conserved. In addition, this alteration is predicted to be tolerated by in silico analysis. Based on the available evidence, the clinical significance of this variant remains unclear.